The following is an entry in ClinVar:

NM_024334.3(TMEM43):c.118C>G (p.Leu40Val)

Gene: TMEM43 (transmembrane protein 43; plus strand). Cytogenetic location: 3p25.1.
Variant type: single nucleotide variant.
Coding change: c.118C>G on transcript NM_024334.3 (MANE Select); coding-DNA position 118, C replaced by G.
Protein change: p.Leu40Val; replaces leucine 40 with valine.
Molecular consequence: missense variant.
Genome position (GRCh38, 1-based): chr3:14,129,517, C>G. VCF-style: chr3-14129517-C-G. GRCh37 (hg19) VCF-style: chr3-14171017-C-G.
Other names: short protein forms L40V.
Identifiers: ClinVar variation 565524 (VCV000565524.32), dbSNP rs755682525, ClinGen allele CA051438.

ClinVar aggregate classification (germline): Conflicting classifications of pathogenicity. Review status: criteria provided, conflicting classifications (1 of 4 stars). 5 submissions from 5 submitters: Uncertain significance (4); Likely benign (1). Last evaluated 2026-08-20.

Conditions:
Cardiovascular phenotype. Identifiers: MedGen CN230736.
Arrhythmogenic right ventricular dysplasia 5. Also called: Arrhythmogenic Right Ventricular Dysplasia/Cardiomyopathy 5; ARRHYTHMOGENIC RIGHT VENTRICULAR DYSPLASIA, FAMILIAL, 5. Identifiers: MedGen C1858379, MONDO:0011459, OMIM 604400.
Cardiomyopathy (CMYO). Also called: Cardiomyopathies. Identifiers: Orphanet 167848, MedGen C0878544, MONDO:0004994, HP:0001638. Inheritance: Various modes of inheritance.

Allele frequency attached by ClinVar (database versions not stated): gnomAD exomes below 0.00001 and 0.00001; ExAC 0.00001; gnomAD 0.00001; TOPMed 0.00001.
gnomAD v4.1: 4 of 1,614,024 alleles (0.00025%); highest among the groups gnomAD compares: Non-Finnish European, 0.00034%; no homozygotes.

Submissions (5):

Ambry Genetics
Classification: Likely benign for Cardiovascular phenotype. Last evaluated: 2026-08-20. Review status: criteria provided, single submitter. Criteria: Ambry Variant Classification Scheme 2023. Collection method: clinical testing. Allele origin: germline.

Labcorp Genetics (formerly Invitae), Labcorp
Classification: Uncertain significance for Arrhythmogenic right ventricular dysplasia 5. Last evaluated: 2025-11-09. Review status: criteria provided, single submitter. Criteria: Invitae Variant Classification Sherloc (09022015). Collection method: clinical testing. Allele origin: germline.
Comment: This sequence change replaces leucine, which is neutral and non-polar, with valine, which is neutral and non-polar, at codon 40 of the TMEM43 protein (p.Leu40Val). This variant is present in population databases (rs755682525, gnomAD 0.0009%). This variant has not been reported in the literature in individuals affected with TMEM43-related conditions. ClinVar contains an entry for this variant (Variation ID: 565524). Invitae Evidence Modeling of protein sequence and biophysical properties (such as structural, functional, and spatial information, amino acid conservation, physicochemical variation, residue mobility, and thermodynamic stability) indicates that this missense variant is not expected to disrupt TMEM43 protein function with a negative predictive value of 80%. In summary, the available evidence is currently insufficient to determine the role of this variant in disease. Therefore, it has been classified as a Variant of Uncertain Significance.

CeGaT Center for Human Genetics Tuebingen
Classification: Uncertain significance. Last evaluated: 2024-06-01. Review status: criteria provided, single submitter. Criteria: CeGaT Center For Human Genetics Tuebingen Variant Classification Criteria Version 2. Collection method: clinical testing. Allele origin: germline. Affected: yes. Observed: 1 variant allele.
Comment: TMEM43: PM2, BP4

Color Diagnostics, LLC DBA Color Health
Classification: Uncertain significance for Cardiomyopathy. Last evaluated: 2024-03-06. Review status: criteria provided, single submitter. Criteria: ACMG Guidelines, 2015. Collection method: clinical testing. Allele origin: germline.
Comment: This missense variant replaces leucine with valine at codon 40 of the TMEM43 protein. Computational prediction suggests that this variant may not impact protein structure and function (internally defined REVEL score threshold <= 0.5, PMID: 27666373). To our knowledge, functional studies have not been reported for this variant. This variant has not been reported in individuals affected with TMEM43-related disorders in the literature. This variant has been identified in 1/251258 chromosomes in the general population by the Genome Aggregation Database (gnomAD). The available evidence is insufficient to determine the role of this variant in disease conclusively. Therefore, this variant is classified as a Variant of Uncertain Significance.

All of Us Research Program, National Institutes of Health
Classification: Uncertain significance for Arrhythmogenic right ventricular dysplasia 5. Last evaluated: 2023-12-01. Review status: criteria provided, single submitter. Criteria: ACMG Guidelines, 2015. Collection method: clinical testing. Allele origin: germline. Inheritance: Autosomal dominant inheritance. Observed: 4 variant alleles, 4 heterozygotes.
Comment: This missense variant replaces leucine with valine at codon 40 of the TMEM43 protein. Computational prediction tools and conservation analyses are inconclusive regarding the impact of this variant on the protein function. Computational splicing tools suggest that this variant may not impact RNA splicing. To our knowledge, functional assays have not been performed for this variant nor has this variant been reported in individuals affected with cardiovascular disorders in the literature. This variant has been identified in 1/251258 chromosomes in the general population by the Genome Aggregation Database (gnomAD). Available evidence is insufficient to determine the role of this variant in disease conclusively. Therefore, this variant is classified as a Variant of Uncertain Significance.

This study involves interpretation of variants in research participants for the purpose of population health screening. Participant phenotype was not available at the time of variant classification. Additional details can be found in publication PMID: 35346344, PMCID: PMC8962531